The following is an entry in ClinVar:

NM_015662.3(IFT172):c.4311+4C>T

Gene: IFT172 (intraflagellar transport 172; minus strand). Cytogenetic location: 2p23.3.
Variant type: single nucleotide variant.
Coding change: c.4311+4C>T on transcript NM_015662.3 (MANE Select); 4 bases into the intron after coding-DNA position 4311, C replaced by T.
Molecular consequence: intron variant.
Genome position (GRCh38, 1-based): chr2:27,449,290, G>A on the plus strand (C>T on the coding strand, the complement: IFT172 is on the minus strand). VCF-style: chr2-27449290-G-A. GRCh37 (hg19) VCF-style: chr2-27672157-G-A.
Identifiers: ClinVar variation 1967442 (VCV001967442.4), dbSNP rs992616530, ClinGen allele CA44518620.

ClinVar aggregate classification (germline): Uncertain significance (1 of 4 stars; one submission).

Conditions:
Retinitis pigmentosa 71 (RP71). Identifiers: Orphanet 791, MedGen C4225342, MONDO:0014618, OMIM 616394.
Short-rib thoracic dysplasia 10 with or without polydactyly (SRTD10). Identifiers: Orphanet 474, MedGen C3810175, MONDO:0014284, OMIM 615630.

Allele frequency attached by ClinVar (database versions not stated): gnomAD 0.00001; TOPMed 0.00003.
gnomAD v4.1: 6 of 1,614,036 alleles (0.00037%); highest among the groups gnomAD compares: African/African-American, 0.0027%; no homozygotes.

Submission:

Labcorp Genetics (formerly Invitae), Labcorp
Classification: Uncertain significance for Retinitis pigmentosa 71; Short-rib thoracic dysplasia 10 with or without polydactyly. Last evaluated: 2025-09-15. Review status: criteria provided, single submitter. Criteria: Invitae Variant Classification Sherloc (09022015). Collection method: clinical testing. Allele origin: germline.
Comment: This sequence change falls in intron 39 of the IFT172 gene. It does not directly change the encoded amino acid sequence of the IFT172 protein. It affects a nucleotide within the consensus splice site. This variant is present in population databases (no rsID available, gnomAD 0.01%). This variant has not been reported in the literature in individuals affected with IFT172-related conditions. ClinVar contains an entry for this variant (Variation ID: 1967442). Variants that disrupt the consensus splice site are a relatively common cause of aberrant splicing (PMID: 17576681, 9536098). Algorithms developed to predict the effect of sequence changes on RNA splicing suggest that this variant is not likely to affect RNA splicing. In summary, the available evidence is currently insufficient to determine the role of this variant in disease. Therefore, it has been classified as a Variant of Uncertain Significance.

Literature cited by the submitters: PubMed 17576681; PubMed 9536098.